The following is an entry in ClinVar:

ClinVar aggregate classification (germline): Uncertain significance (1 of 4 stars; one submission).

Conditions:
Familial meningioma. Also called: Meningioma, familial, susceptibility to. Identifiers: Orphanet 263662, MedGen C3551915, MONDO:0011789, OMIM 607174.

Submission:

Centre for Mendelian Genomics, University Medical Centre Ljubljana
Classification: Uncertain significance for Familial meningioma. Last evaluated: 2019-10-29. Review status: criteria provided, single submitter. Criteria: ACMG Guidelines, 2015. Collection method: clinical testing. Allele origin: unknown. Affected: yes.
Comment: This variant was classified as: Uncertain significance. The available evidence on this variant's pathogenicity is insufficient or conflicting. The following ACMG criteria were applied in classifying this variant: PM2,PP3,BP1.

NM_016169.4(SUFU):c.331G>C (p.Asp111His)

Gene: SUFU (SUFU negative regulator of hedgehog signaling; plus strand). Cytogenetic location: 10q24.32.
Variant type: single nucleotide variant.
Coding change: c.331G>C on transcript NM_016169.4 (MANE Select); coding-DNA position 331, G replaced by C.
Protein change: p.Asp111His; replaces aspartic acid 111 with histidine.
Molecular consequence: missense variant.
Genome position (GRCh38, 1-based): chr10:102,549,983, G>C. VCF-style: chr10-102549983-G-C. GRCh37 (hg19) VCF-style: chr10-104309740-G-C.
Other names: c.331G>C, p.Asp111His (NM_001178133.2); short protein forms D111H.
Identifiers: ClinVar variation 931689 (VCV000931689.3), dbSNP rs1590018865, ClinGen allele CA377903016.